The following is an entry in ClinVar:

NM_001069.3(TUBB2A):c.769A>C (p.Met257Leu)

Gene: TUBB2A (tubulin beta 2A class IIa; minus strand). Cytogenetic location: 6p25.2.
Variant type: single nucleotide variant.
Coding change: c.769A>C on transcript NM_001069.3 (MANE Select); coding-DNA position 769, A replaced by C.
Protein change: p.Met257Leu; replaces methionine 257 with leucine.
Molecular consequence: missense variant.
Genome position (GRCh38, 1-based): chr6:3,154,432, T>G on the plus strand (A>C on the coding strand, the complement: TUBB2A is on the minus strand). VCF-style: chr6-3154432-T-G. GRCh37 (hg19) VCF-style: chr6-3154666-T-G.
Other names: c.514A>C, p.Met172Leu (NM_001310315.2); short protein forms M172L, M257L.
Identifiers: ClinVar variation 3343921 (VCV003343921.3).
Genomic context (GRCh38, chr6:3,154,432, plus strand): 5'-CCCGGCTGGTCAGGGGCGCGAAGCCGGGCATGAAGAAGTGCAGGCGAGGGAAGGGCACCA[T>G]GTTCACCGCCAGCTTGCGCAGGTCTGCGTTCAGCTGGCCCGGGAAGCGCAGGCAGGTGGT-3'
Protein context (NP_001060.1, residues 247-267): NADLRKLAVN[Met257Leu]VPFPRLHFFM

ClinVar aggregate classification (germline): Uncertain significance. Review status: criteria provided, multiple submitters, no conflicts (2 of 4 stars). 2 submissions from 2 submitters: Uncertain significance (2). Last evaluated 2025-12-04.

Submissions (2):

Dasa
Classification: Uncertain significance. Last evaluated: 2025-12-04. Review status: criteria provided, single submitter. Criteria: DASA Assertion Criteria. Collection method: clinical testing. Allele origin: germline.
Comment: NM_001069.3(TUBB2A):c.769A>C (p.Met257Leu) is a missense variant that results in the substitution of methionine with leucine. This variant is absent from population databases. The currently available literature and clinical evidence are not sufficient to establish a definitive association between this variant and the reported condition. Therefore, this variant is classified as a variant of uncertain significance.

GeneDx
Classification: Uncertain significance. Last evaluated: 2023-07-03. Review status: criteria provided, single submitter. Criteria: GeneDx Variant Classification Process June 2021. Collection method: clinical testing. Allele origin: germline. Affected: yes.
Comment: Not observed at significant frequency in large population cohorts (gnomAD); In silico analysis supports that this missense variant does not alter protein structure/function; Has not been previously published as pathogenic or benign to our knowledge